The following is an entry in ClinVar:

NM_001009944.3(PKD1):c.6288_6289del (p.Phe2096fs)

Gene: PKD1 (polycystin 1, transient receptor potential channel interacting; minus strand). Cytogenetic location: 16p13.3.
Variant type: Deletion.
Coding change: c.6288_6289del on transcript NM_001009944.3 (MANE Select); coding-DNA positions 6288 to 6289, 2 bases deleted (TG; older notation c.6288_6289delTG).
Protein change: p.Phe2096fs; shifts the reading frame from phenylalanine 2096.
Molecular consequence: frameshift variant.
Genome position (GRCh38, 1-based): chr16:2,108,878-2,108,879, CA deleted on the plus strand (TG on the coding strand, the reverse complement: PKD1 is on the minus strand). VCF-style (leftmost placement, unchanged base first): chr16-2108877-CCA-C. GRCh37 (hg19) VCF-style: chr16-2158878-CCA-C.
Other names: c.6288_6289del, p.Phe2096fs (NM_000296.4); short protein forms F2096fs.
Identifiers: ClinVar variation 1806287 (VCV001806287.2), dbSNP rs2544804049, ClinGen allele CA923726126.

ClinVar aggregate classification (germline): Pathogenic (1 of 4 stars; one submission).

Conditions:
Polycystic kidney disease, adult type (PKD1). Also called: POLYCYSTIC KIDNEY DISEASE, ADULT, TYPE I; Polycystic Kidney, Autosomal Dominant; Polycystic Kidney Disease 1, Autosomal Dominant; Polycystic kidney disease 1; Polycystic kidney disease 1, severe; POLYCYSTIC KIDNEY DISEASE 1 WITH OR WITHOUT POLYCYSTIC LIVER DISEASE. Identifiers: MedGen C3149841, MONDO:0008263, OMIM 173900.

Submission:

Victorian Clinical Genetics Services, Murdoch Childrens Research Institute
Classification: Pathogenic for Polycystic kidney disease, adult type. Last evaluated: 2020-05-25. Review status: criteria provided, single submitter. Criteria: ACMG Guidelines, 2015. Collection method: clinical testing. Allele origin: germline. Inheritance: Autosomal dominant inheritance. Affected: yes.
Comment: Based on the classification scheme VCGS_Germline_v1.1.1, this variant is classified as Pathogenic. Following criteria are met: 0102 - Loss-of-function is a known mechanism of disease for this gene. (N) 0107 - This gene is known to be associated with autosomal dominant disease. (N) 0112 - Variants in this gene are known to have reduced penetrance (Cordido, A. et al. (2017)). (N) 0201 - Variant is predicted to cause nonsense-mediated decay (NMD) and loss of protein (exon 15 of 46). (P) 0251 - Variant is heterozygous. (N) 0301 - Variant is absent from gnomAD. (P) 0701 - Comparable NMD causing variants have very strong previous evidence for pathogenicity (ClinVar). (P) 0807 - Variant has not previously been reported in a clinical context. (N) 0905 - No segregation evidence has been identified for this variant. (N) 1007 - No published functional evidence has been identified for this variant. (N) 1208 - Inheritance information for this variant is not currently available. (N) Legend: (P) - Pathogenic, (N) - Neutral, (B) - Benign